The following is an entry in ClinVar:

ClinVar aggregate classification (germline): Uncertain significance (1 of 4 stars; one submission).

Conditions:
Developmental and epileptic encephalopathy. Identifiers: MedGen C5779964, MONDO:0100620.

gnomAD v4.1: 2 of 1,526,074 alleles (0.00013%); highest among the groups gnomAD compares: Admixed American, 0.0043%; no homozygotes.

Submission:

Labcorp Genetics (formerly Invitae), Labcorp
Classification: Uncertain significance for Early-infantile DEE. Last evaluated: 2022-12-07. Review status: criteria provided, single submitter. Criteria: Invitae Variant Classification Sherloc (09022015). Collection method: clinical testing. Allele origin: germline.
Comment: This sequence change falls in intron 8 of the CACNA2D2 gene. It does not directly change the encoded amino acid sequence of the CACNA2D2 protein. It affects a nucleotide within the consensus splice site. The frequency data for this variant in the population databases is considered unreliable, as metrics indicate poor data quality at this position in the gnomAD database. This variant has not been reported in the literature in individuals affected with CACNA2D2-related conditions. ClinVar contains an entry for this variant (Variation ID: 530517). Variants that disrupt the consensus splice site are a relatively common cause of aberrant splicing (PMID: 17576681, 9536098). Algorithms developed to predict the effect of sequence changes on RNA splicing suggest that this variant is not likely to affect RNA splicing. In summary, the available evidence is currently insufficient to determine the role of this variant in disease. Therefore, it has been classified as a Variant of Uncertain Significance.

Literature cited by the submitters: PubMed 17576681; PubMed 9536098.

NM_006030.4(CACNA2D2):c.842+6C>A

Gene: CACNA2D2 (calcium voltage-gated channel auxiliary subunit alpha2delta 2; minus strand). Cytogenetic location: 3p21.31.
Variant type: single nucleotide variant.
Coding change: c.842+6C>A on transcript NM_006030.4 (MANE Select); 6 bases into the intron after coding-DNA position 842, C replaced by A.
Molecular consequence: intron variant.
Genome position (GRCh38, 1-based): chr3:50,380,742, G>T on the plus strand (C>A on the coding strand, the complement: CACNA2D2 is on the minus strand). VCF-style: chr3-50380742-G-T. GRCh37 (hg19) VCF-style: chr3-50418173-G-T.
Other names: c.635+6C>A (NM_001291101.1); c.842+6C>A (NM_001005505.3, NM_001174051.3).
Identifiers: ClinVar variation 530517 (VCV000530517.5), dbSNP rs775272200, ClinGen allele CA543054319.